The following is an entry in ClinVar:

ClinVar aggregate classification (germline): Likely benign. Review status: criteria provided, multiple submitters, no conflicts (2 of 4 stars). 2 submissions from 2 submitters: Likely benign (2). Last evaluated 2025-07-02.

Allele frequency attached by ClinVar (database versions not stated): TOPMed 0.00001; ESP Exome Variant Server 0.00008.
gnomAD v4.1: 26 of 1,614,082 alleles (0.0016%); highest among the groups gnomAD compares: Admixed American, 0.0083%; no homozygotes.

Submissions (2):

Labcorp Genetics (formerly Invitae), Labcorp
Classification: Likely benign. Last evaluated: 2025-07-02. Review status: criteria provided, single submitter. Criteria: Invitae Variant Classification Sherloc (09022015). Collection method: clinical testing. Allele origin: germline.

CeGaT Center for Human Genetics Tuebingen
Classification: Likely benign. Last evaluated: 2022-05-01. Review status: criteria provided, single submitter. Criteria: CeGaT Center For Human Genetics Tuebingen Variant Classification Criteria Version 2. Collection method: clinical testing. Allele origin: germline. Affected: yes. Observed: 1 variant allele.
Comment: IGF1R: BP4, BP7

NM_000875.5(IGF1R):c.3864C>T (p.Pro1288=)

Gene: IGF1R (insulin like growth factor 1 receptor; plus strand). Cytogenetic location: 15q26.3.
Variant type: single nucleotide variant.
Coding change: c.3864C>T on transcript NM_000875.5 (MANE Select); coding-DNA position 3864, C replaced by T.
Protein change: p.Pro1288=; no amino-acid change (proline 1288 retained).
Molecular consequence: synonymous variant.
Genome position (GRCh38, 1-based): chr15:98,957,202, C>T. VCF-style: chr15-98957202-C-T. GRCh37 (hg19) VCF-style: chr15-99500431-C-T.
Other names: c.3861C>T, p.Pro1287= (NM_001291858.2).
Identifiers: ClinVar variation 1694764 (VCV001694764.34), dbSNP rs373500508, ClinGen allele CA7752812.